The following is an entry in ClinVar:

ClinVar aggregate classification (germline): Likely pathogenic. Review status: criteria provided, multiple submitters, no conflicts (2 of 4 stars). 2 submissions from 2 submitters: Likely pathogenic (2). Last evaluated 2024-02-21.

Conditions:
Donnai-Barrow syndrome. Also called: DBS/FOAR SYNDROME; FACIOOCULOACOUSTICORENAL SYNDROME. Identifiers: Orphanet 2143, MedGen C1857277, MONDO:0009104, OMIM 222448.

Allele frequency attached by ClinVar (database versions not stated): gnomAD exomes below 0.00001.

Submissions (2):

Fulgent Genetics
Classification: Likely pathogenic for Donnai-Barrow syndrome. Last evaluated: 2024-02-21. Review status: criteria provided, single submitter. Criteria: ACMG Guidelines, 2015. Collection method: clinical testing. Allele origin: germline.

Labcorp Genetics (formerly Invitae), Labcorp
Classification: Likely pathogenic. Last evaluated: 2023-12-05. Review status: criteria provided, single submitter. Criteria: Invitae Variant Classification Sherloc (09022015). Collection method: clinical testing. Allele origin: germline.
Comment: This sequence change affects a splice site in intron 4 of the LRP2 gene. It is expected to disrupt RNA splicing. Variants that disrupt the donor or acceptor splice site typically lead to a loss of protein function (PMID: 16199547), and loss-of-function variants in LRP2 are known to be pathogenic (PMID: 17632512, 25682901). This variant is not present in population databases (gnomAD no frequency). This variant has not been reported in the literature in individuals affected with LRP2-related conditions. Algorithms developed to predict the effect of sequence changes on RNA splicing suggest that this variant may disrupt the consensus splice site. In summary, the currently available evidence indicates that the variant is pathogenic, but additional data are needed to prove that conclusively. Therefore, this variant has been classified as Likely Pathogenic.

Literature cited by the submitters: PubMed 16199547 (cited by Labcorp Genetics (formerly Invitae), Labcorp); PubMed 17632512 (cited by Labcorp Genetics (formerly Invitae), Labcorp); PubMed 25682901 (cited by Labcorp Genetics (formerly Invitae), Labcorp).

NM_004525.3(LRP2):c.427+1del

Gene: LRP2 (LDL receptor related protein 2; minus strand). Cytogenetic location: 2q31.1.
Variant type: Deletion.
Coding change: c.427+1del on transcript NM_004525.3 (MANE Select); the canonical splice donor site of the intron after coding-DNA position 427, one base deleted (G; older notation c.427+1delG).
Molecular consequence: splice donor variant.
Genome position (GRCh38, 1-based): chr2:169,307,280, C deleted on the plus strand (G on the coding strand, the reverse complement: LRP2 is on the minus strand). VCF-style (leftmost placement, unchanged base first): chr2-169307279-AC-A. GRCh37 (hg19) VCF-style: chr2-170163789-AC-A.
Identifiers: ClinVar variation 2701133 (VCV002701133.4), dbSNP rs2528617075, ClinGen allele CA2661825196.